The following is an entry in ClinVar:

NM_006514.4(SCN10A):c.2527T>C (p.Phe843Leu)

Gene: SCN10A (sodium voltage-gated channel alpha subunit 10; minus strand). Cytogenetic location: 3p22.2.
Variant type: single nucleotide variant.
Coding change: c.2527T>C on transcript NM_006514.4 (MANE Select); coding-DNA position 2527, T replaced by C.
Protein change: p.Phe843Leu; replaces phenylalanine 843 with leucine.
Molecular consequence: missense variant.
Genome position (GRCh38, 1-based): chr3:38,728,655, A>G on the plus strand (T>C on the coding strand, the complement: SCN10A is on the minus strand). VCF-style: chr3-38728655-A-G. GRCh37 (hg19) VCF-style: chr3-38770146-A-G.
Other names: c.2527T>C (NM_006514.2); c.2527T>C, p.Phe843Leu (NM_001293306.2); c.2233T>C, p.Phe745Leu (NM_001293307.2); short protein forms F745L, F843L.
Identifiers: ClinVar variation 641276 (VCV000641276.12), dbSNP rs768541787, ClinGen allele CA2320517.

ClinVar aggregate classification (germline): Uncertain significance. Review status: criteria provided, multiple submitters, no conflicts (2 of 4 stars). 3 submissions from 3 submitters: Uncertain significance (3). Last evaluated 2024-05-25.

Conditions:
Brugada syndrome. Also called: Sudden unexpected nocturnal death syndrome; Sudden unexplained nocturnal death syndrome; Sudden Unexplained Death Syndrome; Sudden Unexplained Nocturnal Death Syndrome (SUNDS). Identifiers: Orphanet 130, MedGen C1142166, MONDO:0015263.
Cardiovascular phenotype. Identifiers: MedGen CN230736.

Allele frequency attached by ClinVar (database versions not stated): ExAC 0.00001; gnomAD 0.00001; gnomAD exomes 0.00001; TOPMed 0.00003.
gnomAD v4.1: 19 of 1,614,082 alleles (0.0012%); highest among the groups gnomAD compares: Middle Eastern, 0.016%; no homozygotes.

Submissions (3):

Ambry Genetics
Classification: Uncertain significance for Cardiovascular phenotype. Last evaluated: 2024-05-25. Review status: criteria provided, single submitter. Criteria: Ambry Variant Classification Scheme 2023. Collection method: clinical testing. Allele origin: germline.
Comment: The p.F843L variant (also known as c.2527T>C), located in coding exon 15 of the SCN10A gene, results from a T to C substitution at nucleotide position 2527. The phenylalanine at codon 843 is replaced by leucine, an amino acid with highly similar properties. This amino acid position is conserved. In addition, this alteration is predicted to be deleterious by in silico analysis. Since supporting evidence is limited at this time, the clinical significance of this alteration remains unclear.

Labcorp Genetics (formerly Invitae), Labcorp
Classification: Uncertain significance for Brugada syndrome. Last evaluated: 2022-06-13. Review status: criteria provided, single submitter. Criteria: Invitae Variant Classification Sherloc (09022015). Collection method: clinical testing. Allele origin: germline.
Comment: In summary, the available evidence is currently insufficient to determine the role of this variant in disease. Therefore, it has been classified as a Variant of Uncertain Significance. Advanced modeling of protein sequence and biophysical properties (such as structural, functional, and spatial information, amino acid conservation, physicochemical variation, residue mobility, and thermodynamic stability) performed at Invitae indicates that this missense variant is expected to disrupt SCN10A protein function. ClinVar contains an entry for this variant (Variation ID: 641276). This sequence change replaces phenylalanine, which is neutral and non-polar, with leucine, which is neutral and non-polar, at codon 843 of the SCN10A protein (p.Phe843Leu). This variant has not been reported in the literature in individuals affected with SCN10A-related conditions. This variant is present in population databases (rs768541787, gnomAD 0.002%).

GeneDx
Classification: Uncertain significance. Last evaluated: 2019-09-09. Review status: criteria provided, single submitter. Criteria: GeneDx Variant Classification Process June 2021. Collection method: clinical testing. Allele origin: germline. Affected: yes.
Comment: Has not been previously published as pathogenic or benign to our knowledge; Reported in ClinVar as a variant of uncertain significance but additional evidence is not available (ClinVar Variant ID 641276; Landrum et al., 2016); Not observed at a significant frequency in large population cohorts (Lek et al., 2016); In silico analysis, which includes protein predictors and evolutionary conservation, supports a deleterious effect